The following is an entry in ClinVar:

ClinVar aggregate classification (germline): Uncertain significance (1 of 4 stars; one submission).

Conditions:
Evans syndrome, immunodeficiency, and premature immunosenescence associated with tripeptidyl-peptidase II deficiency. Identifiers: MedGen CN231723. Disease mechanism: loss of function.

Submission:

Labcorp Genetics (formerly Invitae), Labcorp
Classification: Uncertain significance for Evans syndrome, immunodeficiency, and premature immunosenescence associated with tripeptidyl-peptidase II deficiency. Last evaluated: 2024-11-04. Review status: criteria provided, single submitter. Criteria: Invitae Variant Classification Sherloc (09022015). Collection method: clinical testing. Allele origin: germline.
Comment: This sequence change replaces glycine, which is neutral and non-polar, with serine, which is neutral and polar, at codon 1003 of the TPP2 protein (p.Gly1003Ser). This variant is not present in population databases (gnomAD no frequency). This variant has not been reported in the literature in individuals affected with TPP2-related conditions. ClinVar contains an entry for this variant (Variation ID: 1368061). An algorithm developed to predict the effect of missense changes on protein structure and function (PolyPhen-2) suggests that this variant is likely to be disruptive. In summary, the available evidence is currently insufficient to determine the role of this variant in disease. Therefore, it has been classified as a Variant of Uncertain Significance.

NM_001330588.2(TPP2):c.3046G>A (p.Gly1016Ser)

Gene: TPP2 (tripeptidyl peptidase 2; plus strand). Cytogenetic location: 13q33.1.
Variant type: single nucleotide variant.
Coding change: c.3046G>A on transcript NM_001330588.2 (MANE Select); coding-DNA position 3046, G replaced by A.
Protein change: p.Gly1016Ser; replaces glycine 1016 with serine.
Molecular consequence: missense variant. On other transcripts: non-coding transcript variant (1).
Genome position (GRCh38, 1-based): chr13:102,657,110, G>A. VCF-style: chr13-102657110-G-A. GRCh37 (hg19) VCF-style: chr13-103309460-G-A.
Other names: c.3007G>A, p.Gly1003Ser (NM_001367947.1, NM_003291.4); short protein forms G1003S, G1016S.
Identifiers: ClinVar variation 1368061 (VCV001368061.6), dbSNP rs2139571494, ClinGen allele CA388503881.
Genomic context (GRCh38, chr13:102,657,110, plus strand): 5'-TCGTAGGATGTAATCCCTGTTCATTACTACTTAATACCTCCACCAACAAAGACTAAGAAT[G>A]GCAGCAAAGATAAGGAAAAAGATTCAGAAAAAGAGAAAGATTTAAAAGAAGAGTTTACTG-3'
Protein context (NP_001317517.1, residues 1006-1026): LIPPPTKTKN[Gly1016Ser]SKDKEKDSEK